The following is an entry in ClinVar:

ClinVar aggregate classification (germline): Likely benign (1 of 4 stars; one submission).

Conditions:
Neurofibromatosis, type 2 (SWNV). Also called: SCHWANNOMATOSIS, VESTIBULAR; BILATERAL ACOUSTIC NEUROFIBROMATOSIS; NF2-Related Schwannomatosis. Identifiers: Orphanet 637, MedGen C0027832, MONDO:0007039, OMIM 101000. Disease mechanism: loss of function.

Allele frequency attached by ClinVar (database versions not stated): 1000 Genomes Project 30x 0.00219; 1000 Genomes Project 0.00220; gnomAD exomes 0.00377; gnomAD 0.00410; TOPMed 0.00487.
gnomAD v4.1: 761 of 173,740 alleles (0.44%); highest among the groups gnomAD compares: Non-Finnish European, 0.7%; 2 homozygotes.

Submission:

Illumina Laboratory Services, Illumina
Classification: Likely benign for Neurofibromatosis, type 2. Last evaluated: 2018-01-13. Review status: criteria provided, single submitter. Criteria: ICSL Variant Classification Criteria 13 December 2019. Collection method: clinical testing. Allele origin: germline.
Comment: This variant was observed in the ICSL laboratory as part of a predisposition screen in an ostensibly healthy population. It had not been previously curated by ICSL or reported in the Human Gene Mutation Database (HGMD: prior to June 1st, 2018), and was therefore a candidate for classification through an automated scoring system. Utilizing variant allele frequency, disease prevalence and penetrance estimates, and inheritance mode, an automated score was calculated to assess if this variant is too frequent to cause the disease. Based on the score and internal cut-off values, a variant classified as likely benign is not then subjected to further curation. The score for this variant resulted in a classification of likely benign for this disease.

NM_000268.4(NF2):c.*2841C>T

Gene: NF2 (NF2, moesin-ezrin-radixin like (MERLIN) tumor suppressor; plus strand). Cytogenetic location: 22q12.2.
Variant type: single nucleotide variant.
Coding change: c.*2841C>T on transcript NM_000268.4 (MANE Select); 2841 bases downstream of the stop codon, C replaced by T.
Molecular consequence: 3 prime UTR variant. On other transcripts: non-coding transcript variant (1).
Genome position (GRCh38, 1-based): chr22:29,697,643, C>T. VCF-style: chr22-29697643-C-T. GRCh37 (hg19) VCF-style: chr22-30093632-C-T.
Other names: c.*2901C>T (NM_016418.5, NM_181828.3, NM_181829.3 and 1 more transcripts); c.*2916C>T (NM_181832.3); c.*2841C>T (NM_181833.3).
Identifiers: ClinVar variation 341156 (VCV000341156.5), dbSNP rs142797364, ClinGen allele CA10654016.
Genomic context (GRCh38, chr22:29,697,643, plus strand): 5'-GAGACGGAGTTTTTGCCTTTGTCGCCCAGGCTGGAGTGCAATGGCGTGATCTCGGCTCAC[C>T]GCAACCTCCGCCTCCCGGATTCAAGCAATTCTCCTGCCTCAGCCTCCCGAGTAGCTGGGA-3'